The following is an entry in ClinVar:

NM_000213.5(ITGB4):c.4064G>A (p.Arg1355His)

Genes: GALK1 (galactokinase 1; minus strand), ITGB4 (integrin subunit beta 4; plus strand). Cytogenetic location: 17q25.1.
Variant type: single nucleotide variant.
Coding change: c.4064G>A on transcript NM_000213.5 (MANE Select); coding-DNA position 4064, G replaced by A.
Protein change: p.Arg1355His; replaces arginine 1355 with histidine.
Molecular consequence: missense variant. On other transcripts: intron variant (1).
Genome position (GRCh38, 1-based): chr17:75,752,533, G>A. VCF-style: chr17-75752533-G-A. GRCh37 (hg19) VCF-style: chr17-73748614-G-A.
Other names: c.4064G>A, p.Arg1355His (NM_001005619.2, NM_001005731.3, NM_001321123.2 and 1 more transcripts); c.*23-796C>T (NM_001381985.1); short protein forms R1355H.
Identifiers: ClinVar variation 892369 (VCV000892369.8), dbSNP rs373278372, ClinGen allele CA8770020.

ClinVar aggregate classification (germline): Uncertain significance. Review status: criteria provided, multiple submitters, no conflicts (2 of 4 stars). 4 submissions from 4 submitters: Uncertain significance (4). Last evaluated 2024-05-30.

Conditions:
Junctional epidermolysis bullosa with pyloric atresia. Also called: Junctional Epidermolysis Bullosa- Pyloric Atresia Syndrome; EPIDERMOLYSIS BULLOSA, JUNCTIONAL 5B, WITH PYLORIC ATRESIA; Epidermolysis bullosa, junctional, with pyloric atresia and aplasia cutis congenita; Epidermolysis bullosa junctionalis with pyloric atresia; APLASIA CUTIS CONGENITA WITH GASTROINTESTINAL ATRESIA; CARMI SYNDROME. Identifiers: Orphanet 79403, MedGen C5676875, MONDO:0009183, OMIM 226730.
Epidermolysis bullosa, junctional 5A, intermediate. Also called: EPIDERMOLYSIS BULLOSA, JUNCTIONAL 5A, GENERALIZED INTERMEDIATE; EPIDERMOLYSIS BULLOSA, JUNCTIONAL 5A, NON-HERLITZ TYPE. Identifiers: MedGen C5676956, MONDO:0030768, OMIM 619816.
Inborn genetic diseases. Identifiers: MedGen C0950123, MeSH D030342.

Allele frequency attached by ClinVar (database versions not stated): TOPMed 0.00007; gnomAD 0.00009 and 0.00010; ExAC 0.00007; gnomAD exomes 0.00009 and 0.00011; ESP Exome Variant Server 0.00008.
gnomAD v4.1: 166 of 1,613,510 alleles (0.01%); highest among the groups gnomAD compares: Admixed American, 0.037%; 1 homozygote.

Submissions (4):

Fulgent Genetics
Classification: Uncertain significance for Junctional epidermolysis bullosa with pyloric atresia; Epidermolysis bullosa, junctional 5A, intermediate. Last evaluated: 2024-05-30. Review status: criteria provided, single submitter. Criteria: ACMG Guidelines, 2015. Collection method: clinical testing. Allele origin: germline.

Labcorp Genetics (formerly Invitae), Labcorp
Classification: Uncertain significance. Last evaluated: 2022-02-09. Review status: criteria provided, single submitter. Criteria: Invitae Variant Classification Sherloc (09022015). Collection method: clinical testing. Allele origin: germline.
Comment: This sequence change replaces arginine, which is basic and polar, with histidine, which is basic and polar, at codon 1355 of the ITGB4 protein (p.Arg1355His). This variant is present in population databases (rs373278372, gnomAD 0.04%). This variant has not been reported in the literature in individuals affected with ITGB4-related conditions. ClinVar contains an entry for this variant (Variation ID: 892369). Algorithms developed to predict the effect of missense changes on protein structure and function are either unavailable or do not agree on the potential impact of this missense change (SIFT: "Not Available"; PolyPhen-2: "Probably Damaging"; Align-GVGD: "Not Available"). In summary, the available evidence is currently insufficient to determine the role of this variant in disease. Therefore, it has been classified as a Variant of Uncertain Significance.

Ambry Genetics
Classification: Uncertain significance for Inborn genetic diseases. Last evaluated: 2021-08-16. Review status: criteria provided, single submitter. Criteria: Ambry Variant Classification Scheme 2023. Collection method: clinical testing. Allele origin: germline.

Illumina Laboratory Services, Illumina
Classification: Uncertain significance for Junctional epidermolysis bullosa with pyloric atresia. Last evaluated: 2018-01-13. Review status: criteria provided, single submitter. Criteria: ICSL Variant Classification Criteria 13 December 2019. Collection method: clinical testing. Allele origin: germline.